The following is an entry in ClinVar:

NM_006009.4(TUBA1A):c.805C>A (p.Leu269Met)

Gene: TUBA1A (tubulin alpha 1a; minus strand). Cytogenetic location: 12q13.12.
Variant type: single nucleotide variant.
Coding change: c.805C>A on transcript NM_006009.4 (MANE Select); coding-DNA position 805, C replaced by A.
Protein change: p.Leu269Met; replaces leucine 269 with methionine.
Molecular consequence: missense variant.
Genome position (GRCh38, 1-based): chr12:49,185,561, G>T on the plus strand (C>A on the coding strand, the complement: TUBA1A is on the minus strand). VCF-style: chr12-49185561-G-T. GRCh37 (hg19) VCF-style: chr12-49579344-G-T.
Other names: c.805C>A, p.Leu269Met (NM_001270399.2); c.700C>A, p.Leu234Met (NM_001270400.2); short protein forms L234M, L269M.
Identifiers: ClinVar variation 4991667 (VCV004991667.1).
Genomic context (GRCh38, chr12:49,185,561, plus strand): 5'-CTACAGAAAGCTGTTCATGGTAGGCTTTCTCAGCAGAGATGACAGGGGCATATGTGGCCA[G>T]AGGGAAGTGGATGCGGGGATAGGGCACCAGGTTGGTCTGGAATTCTGTCAGGTCAACATT-3'
Protein context (NP_006000.2, residues 259-279): LVPYPRIHFP[Leu269Met]ATYAPVISAE

ClinVar aggregate classification (germline): Likely pathogenic (1 of 4 stars; one submission).

Conditions:
TUBA1A-related disorder. Also called: TUBA1A-related condition.

Submission:

PreventionGenetics, part of Exact Sciences
Classification: Likely pathogenic for TUBA1A-related condition. Last evaluated: 2025-09-16. Review status: criteria provided, single submitter. Criteria: ACMG Guidelines, 2015. Collection method: clinical testing. Allele origin: germline.
Comment: The TUBA1A c.805C>A variant is predicted to result in the amino acid substitution p.Leu269Met. To our knowledge, this variant has not been reported in the literature or in a large population database (gnomAD), indicating this variant is rare. This variant is interpreted as likely pathogenic.